The following is an entry in ClinVar:

ClinVar aggregate classification (germline): Pathogenic/Likely pathogenic. Review status: criteria provided, multiple submitters, no conflicts (2 of 4 stars). 2 submissions from 2 submitters: Pathogenic (1); Likely pathogenic (1). Last evaluated 2026-01-04.

Conditions:
Monocytopenia with susceptibility to infections. Also called: MONOCYTOPENIA AND MYCOBACTERIAL INFECTION SYNDROME; MONOCYTOPENIA WITH SUSCEPTIBILITY TO MYCOBACTERIAL, FUNGAL, AND PAPILLOMAVIRUS INFECTIONS AND MYELODYSPLASIA; COMBINED IMMUNODEFICIENCY WITH SUSCEPTIBILITY TO MYCOBACTERIAL, VIRAL, AND FUNGAL INFECTIONS; Dendritic cell, monocyte, B lymphocyte, and natural killer lymphocyte deficiency; IMMUNODEFICIENCY 21; GATA2 DEFICIENCY. Identifiers: Orphanet 228423, MedGen C3280030, MONDO:0013607, OMIM 614172.
Deafness-lymphedema-leukemia syndrome. Also called: Lymphedema, primary, with myelodysplasia; Emberger syndrome. Identifiers: Orphanet 3226, MedGen C3279664, MONDO:0013540, OMIM 614038.

Submissions (2):

Labcorp Genetics (formerly Invitae), Labcorp
Classification: Pathogenic for Monocytopenia with susceptibility to infections; Deafness-lymphedema-leukemia syndrome. Last evaluated: 2026-01-04. Review status: criteria provided, single submitter. Criteria: Invitae Variant Classification Sherloc (09022015). Collection method: clinical testing. Allele origin: germline.
Comment: This sequence change creates a premature translational stop signal (p.Ala103Glyfs*78) in the GATA2 gene. It is expected to result in an absent or disrupted protein product. Loss-of-function variants in GATA2 are known to be pathogenic (PMID: 21670465, 23223431). This variant is not present in population databases (gnomAD no frequency). This variant has not been reported in the literature in individuals affected with GATA2-related conditions. For these reasons, this variant has been classified as Pathogenic.

Mayo Clinic Laboratories, Mayo Clinic
Classification: Likely pathogenic. Last evaluated: 2025-09-11. Review status: criteria provided, single submitter. Criteria: ACMG Guidelines, 2015. Collection method: clinical testing. Allele origin: germline. Observed: 1 variant allele.
Comment: PM2_supporting, PVS1

Literature cited by the submitters: PubMed 21670465 (cited by Labcorp Genetics (formerly Invitae), Labcorp); PubMed 23223431 (cited by Labcorp Genetics (formerly Invitae), Labcorp).

NM_032638.5(GATA2):c.308_318del (p.Ala103fs)

Gene: GATA2 (GATA binding protein 2; minus strand). Cytogenetic location: 3q21.3.
Variant type: Deletion.
Coding change: c.308_318del on transcript NM_032638.5 (MANE Select); coding-DNA positions 308 to 318, 11 bases deleted (CAGCCCTCTCT).
Protein change: p.Ala103fs; shifts the reading frame from alanine 103.
Molecular consequence: frameshift variant.
Genome position (GRCh38, 1-based): chr3:128,486,280-128,486,290, AGAGAGGGCTG deleted on the plus strand (CAGCCCTCTCT on the coding strand, the reverse complement: GATA2 is on the minus strand). VCF-style (leftmost placement, unchanged base first): chr3-128486279-CAGAGAGGGCTG-C. GRCh37 (hg19) VCF-style: chr3-128205122-CAGAGAGGGCTG-C.
Other names: p.Ala103Glyfs*78; c.308_318del, p.Ala103fs (NM_001145661.2, NM_001145662.1); short protein forms A103fs.
Identifiers: ClinVar variation 4540918 (VCV004540918.2).